The following is an entry in ClinVar:

ClinVar aggregate classification (germline): Likely benign (0 of 4 stars; one submission).

Conditions:
HUWE1-related disorder. Also called: HUWE1-related condition.

Allele frequency attached by ClinVar (database versions not stated): ExAC 0.00001; gnomAD 0.00003; TOPMed 0.00003; gnomAD exomes 0.00005.
gnomAD v4.1: 61 of 1,204,180 alleles (0.0051%); highest among the groups gnomAD compares: Non-Finnish European, 0.0064%; no homozygotes.

Submission:

PreventionGenetics, part of Exact Sciences
Classification: Likely benign for HUWE1-related condition. Last evaluated: 2020-05-19. Review status: no assertion criteria provided. Collection method: clinical testing. Allele origin: germline.
Comment: This variant is classified as likely benign based on ACMG/AMP sequence variant interpretation guidelines (Richards et al. 2015 PMID: 25741868, with internal and published modifications).

NM_031407.7(HUWE1):c.105C>T (p.Leu35=)

Gene: HUWE1 (HECT, UBA and WWE domain containing E3 ubiquitin protein ligase 1; minus strand). Cytogenetic location: Xp11.22.
Variant type: single nucleotide variant.
Coding change: c.105C>T on transcript NM_031407.7 (MANE Select); coding-DNA position 105, C replaced by T.
Protein change: p.Leu35=; no amino-acid change (leucine 35 retained).
Molecular consequence: synonymous variant.
Genome position (GRCh38, 1-based): chrX:53,648,251, G>A on the plus strand (C>T on the coding strand, the complement: HUWE1 is on the minus strand). VCF-style: chrX-53648251-G-A. GRCh37 (hg19) VCF-style: chrX-53675194-G-A.
Identifiers: ClinVar variation 3055024 (VCV003055024.2), dbSNP rs782691840, ClinGen allele CA10423156.